The following is an entry in ClinVar:

NM_031308.4(EPPK1):c.2962G>T (p.Val988Leu)

Gene: EPPK1 (epiplakin 1; minus strand). Cytogenetic location: 8q24.3.
Variant type: single nucleotide variant.
Coding change: c.2962G>T on transcript NM_031308.4 (MANE Select); coding-DNA position 2962, G replaced by T.
Protein change: p.Val988Leu; replaces valine 988 with leucine.
Molecular consequence: missense variant.
Genome position (GRCh38, 1-based): chr8:143,870,292, C>A on the plus strand (G>T on the coding strand, the complement: EPPK1 is on the minus strand). VCF-style: chr8-143870292-C-A. GRCh37 (hg19) VCF-style: chr8-144944460-C-A.
Other names: short protein forms V988L.
Identifiers: ClinVar variation 3045993 (VCV003045993.2), dbSNP rs180988510, ClinGen allele CA4922911.

ClinVar aggregate classification (germline): Likely benign (0 of 4 stars; one submission).

Conditions:
EPPK1-related disorder. Also called: EPPK1-related condition.

Allele frequency attached by ClinVar (database versions not stated): 1000 Genomes Project 30x 0.00265; 1000 Genomes Project 0.00280.
gnomAD v4.1: 709 of 1,583,104 alleles (0.045%); highest among the groups gnomAD compares: East Asian, 1.4%; 8 homozygotes.

Submission:

PreventionGenetics, part of Exact Sciences
Classification: Likely benign for EPPK1-related condition. Last evaluated: 2021-05-05. Review status: no assertion criteria provided. Collection method: clinical testing. Allele origin: germline.
Comment: This variant is classified as likely benign based on ACMG/AMP sequence variant interpretation guidelines (Richards et al. 2015 PMID: 25741868, with internal and published modifications).